The following is an entry in ClinVar:

ClinVar aggregate classification (germline): Uncertain significance (1 of 4 stars; one submission).

Conditions:
Ataxia-telangiectasia syndrome (AT). Also called: Ataxia-telangiectasia, complementation group D; AT, COMPLEMENTATION GROUP C; ATAXIA-TELANGIECTASIA, COMPLEMENTATION GROUP A; ATAXIA-TELANGIECTASIA, FRESNO VARIANT; Ataxia-telangiectasia; Ataxia-telangiectasia, complementation group E. Identifiers: Orphanet 100, MedGen C0004135, MONDO:0008840, OMIM 208900.

Submission:

Labcorp Genetics (formerly Invitae), Labcorp
Classification: Uncertain significance for Ataxia-telangiectasia syndrome. Last evaluated: 2024-01-30. Review status: criteria provided, single submitter. Criteria: Invitae Variant Classification Sherloc (09022015). Collection method: clinical testing. Allele origin: germline.
Comment: This sequence change replaces glutamic acid, which is acidic and polar, with lysine, which is basic and polar, at codon 2621 of the ATM protein (p.Glu2621Lys). This variant is not present in population databases (gnomAD no frequency). This variant has not been reported in the literature in individuals affected with ATM-related conditions. An algorithm developed to predict the effect of missense changes on protein structure and function (PolyPhen-2) suggests that this variant is likely to be tolerated. In summary, the available evidence is currently insufficient to determine the role of this variant in disease. Therefore, it has been classified as a Variant of Uncertain Significance.

NM_000051.4(ATM):c.7861G>A (p.Glu2621Lys)

Genes: ATM (ATM serine/threonine kinase; plus strand), C11orf65 (chromosome 11 open reading frame 65; minus strand). Cytogenetic location: 11q22.3.
Variant type: single nucleotide variant.
Coding change: c.7861G>A on transcript NM_000051.4 (MANE Select); coding-DNA position 7861, G replaced by A.
Protein change: p.Glu2621Lys; replaces glutamic acid 2621 with lysine.
Molecular consequence: missense variant. On other transcripts: intron variant (2).
Genome position (GRCh38, 1-based): chr11:108,332,834, G>A. VCF-style: chr11-108332834-G-A. GRCh37 (hg19) VCF-style: chr11-108203561-G-A.
Other names: c.7861G>A, p.Glu2621Lys (NM_001351834.2); c.641-23763C>T (NM_001330368.2); c.*38+2386C>T (NM_001351110.2); short protein forms E2621K.
Identifiers: ClinVar variation 3637462 (VCV003637462.2).
Genomic context (GRCh38, chr11:108,332,834, plus strand): 5'-GCTGCAAATAGAATAATATGTACTATCAGAAGTAGGAGACCTCAGATGGTCAGAAGTGTT[G>A]AGGCACTTTGTGATGCTTATATTATATTAGCAAACTTAGATGCCACTCAGTGGAAGACTC-3'
Protein context (NP_000042.3, residues 2611-2631): SRRPQMVRSV[Glu2621Lys]ALCDAYIILA